The following is an entry in ClinVar:

NM_001042492.3(NF1):c.4702A>T (p.Lys1568Ter)

Gene: NF1 (neurofibromin 1; plus strand). Cytogenetic location: 17q11.2.
Variant type: single nucleotide variant.
Coding change: c.4702A>T on transcript NM_001042492.3 (MANE Select); coding-DNA position 4702, A replaced by T.
Protein change: p.Lys1568Ter; replaces lysine 1568 with a stop codon.
Molecular consequence: nonsense.
Genome position (GRCh38, 1-based): chr17:31,261,835, A>T. VCF-style: chr17-31261835-A-T. GRCh37 (hg19) VCF-style: chr17-29588853-A-T.
Other names: c.4639A>T, p.Lys1547Ter (NM_000267.4); short protein forms K1568*, K1547*.
Identifiers: ClinVar variation 1459418 (VCV001459418.8), dbSNP rs2151466498, ClinGen allele CA399000584.

ClinVar aggregate classification (germline): Pathogenic (1 of 4 stars; one submission).

Conditions:
Neurofibromatosis, type 1 (NF1). Also called: Neurofibromatosis, type I; VON RECKLINGHAUSEN DISEASE; NEUROFIBROMATOSIS, TYPE I, SOMATIC; Peripheral type neurofibromatosis. Identifiers: Orphanet 636, MedGen C0027831, MONDO:0018975, OMIM 162200. Disease mechanism: loss of function.

Submission:

Labcorp Genetics (formerly Invitae), Labcorp
Classification: Pathogenic for Neurofibromatosis, type 1. Last evaluated: 2025-03-05. Review status: criteria provided, single submitter. Criteria: Invitae Variant Classification Sherloc (09022015). Collection method: clinical testing. Allele origin: germline.
Comment: This sequence change creates a premature translational stop signal (p.Lys1547*) in the NF1 gene. It is expected to result in an absent or disrupted protein product. Loss-of-function variants in NF1 are known to be pathogenic (PMID: 10712197, 23913538). This variant is not present in population databases (gnomAD no frequency). This premature translational stop signal has been observed in individual(s) with clinical features of neurofibromatosis type 1 (PMID: 25074460, 28422438). ClinVar contains an entry for this variant (Variation ID: 1459418). Algorithms developed to predict the effect of sequence changes on RNA splicing suggest that this variant may disrupt the consensus splice site. For these reasons, this variant has been classified as Pathogenic.

Literature cited by the submitters: PubMed 10712197; PubMed 23913538; PubMed 25074460; PubMed 28422438.